The following is an entry in ClinVar:

ClinVar aggregate classification (germline): Pathogenic (1 of 4 stars; one submission).

Conditions:
Duchenne muscular dystrophy (DMD). Also called: MUSCULAR DYSTROPHY, PSEUDOHYPERTROPHIC PROGRESSIVE, DUCHENNE TYPE; Duchenne Muscular Dystrophy (DMD). Identifiers: Orphanet 98896, MedGen C0013264, MONDO:0010679, OMIM 310200.

Submission:

Labcorp Genetics (formerly Invitae), Labcorp
Classification: Pathogenic for Duchenne muscular dystrophy. Last evaluated: 2022-07-19. Review status: criteria provided, single submitter. Criteria: Invitae Variant Classification Sherloc (09022015). Collection method: clinical testing. Allele origin: germline.
Comment: For these reasons, this variant has been classified as Pathogenic. This variant is a gross deletion of the genomic region encompassing exon(s) 26-42 of the DMD gene. This variant would be expected to be in-frame, preserving the integrity of the reading frame. This variant has not been reported in the literature in individuals affected with DMD-related conditions. The region of the DMD gene that includes exon(s) 26-28 has been determined to be clinically significant (PMID: 22776072, 23453023). Therefore, deletions that encompass that region are likely to be disease-causing.

Literature cited by the submitters: PubMed 22776072; PubMed 23453023.

NC_000023.11:g.(?_32310072)_(32454842_?)del

Gene: DMD (dystrophin; minus strand). Cytogenetic location: Xp21.1.
Variant type: Deletion.
Identifiers: ClinVar variation 665032 (VCV000665032.9).